The following is an entry in ClinVar:

ClinVar aggregate classification (germline): Likely benign. Review status: criteria provided, multiple submitters, no conflicts (2 of 4 stars). 2 submissions from 2 submitters: Likely benign (2). Last evaluated 2025-06-05.

Conditions:
Ehlers-Danlos syndrome, classic type, 1 (EDSCL1). Also called: Ehlers-Danlos Syndrome, Classic Type, COL5A1-Related; EHLERS-DANLOS SYNDROME, GRAVIS TYPE; EHLERS-DANLOS SYNDROME, SEVERE CLASSIC TYPE; Ehlers-Danlos syndrome, type 1; EDS I. Identifiers: MedGen C0268335, MONDO:0019567, OMIM 130000.
Osteogenesis imperfecta type I (OI1). Also called: OI, TYPE I; OSTEOGENESIS IMPERFECTA TARDA; OSTEOGENESIS IMPERFECTA WITH BLUE SCLERAE; Osteogenesis imperfecta type 1; Classic Non-deforming Osteogenesis Imperfecta with Blue Sclerae; Lobstein's Disease. Identifiers: Orphanet 216796, Orphanet 666, MedGen C0023931, MONDO:0008146, OMIM 166200. Disease mechanism: loss of function.

Allele frequency attached by ClinVar (database versions not stated): ESP Exome Variant Server 0.00008; ExAC 0.00001; TOPMed 0.00002; gnomAD 0.00001.
gnomAD v4.1: 2 of 1,611,838 alleles (0.00012%); highest among the groups gnomAD compares: African/African-American, 0.0027%; no homozygotes.

Submissions (2):

Mayo Clinic Laboratories, Mayo Clinic
Classification: Likely benign. Last evaluated: 2025-06-05. Review status: criteria provided, single submitter. Criteria: ACMG Guidelines, 2015. Collection method: clinical testing. Allele origin: germline. Observed: 1 variant allele.
Comment: BP4, BP7

Labcorp Genetics (formerly Invitae), Labcorp
Classification: Likely benign for Osteogenesis imperfecta type I; Ehlers-Danlos syndrome, classic type, 1. Last evaluated: 2022-10-25. Review status: criteria provided, single submitter. Criteria: Invitae Variant Classification Sherloc (09022015). Collection method: clinical testing. Allele origin: germline.

NM_000089.4(COL1A2):c.2673+7G>T

Gene: COL1A2 (collagen type I alpha 2 chain; plus strand). Cytogenetic location: 7q21.3.
Variant type: single nucleotide variant.
Coding change: c.2673+7G>T on transcript NM_000089.4 (MANE Select); 7 bases into the intron after coding-DNA position 2673, G replaced by T.
Molecular consequence: intron variant.
Genome position (GRCh38, 1-based): chr7:94,424,450, G>T. VCF-style: chr7-94424450-G-T. GRCh37 (hg19) VCF-style: chr7-94053762-G-T.
Other names: p.?.
Identifiers: ClinVar variation 2195310 (VCV002195310.5), dbSNP rs368844122, ClinGen allele CA4347521.